The following is an entry in ClinVar:

ClinVar aggregate classification (germline): Benign. Review status: criteria provided, multiple submitters, no conflicts (2 of 4 stars). 3 submissions from 3 submitters: Benign (2). 1 of the submissions does not count toward it. Last evaluated 2018-10-03.

Conditions:
ESPL1-related disorder. Also called: ESPL1-related condition.

Allele frequency attached by ClinVar (database versions not stated): gnomAD exomes 0.00066 and 0.00117; ExAC 0.00119; gnomAD 0.00265 and 0.00271; TOPMed 0.00303; ESP Exome Variant Server 0.00346; 1000 Genomes Project 0.00499; 1000 Genomes Project 30x 0.00547.
gnomAD v4.1: 1,438 of 1,614,128 alleles (0.089%); highest among the groups gnomAD compares: African/African-American, 0.7%; 2 homozygotes.

Submissions (3):

Labcorp Genetics (formerly Invitae), Labcorp
Classification: Benign. Last evaluated: 2018-10-03. Review status: criteria provided, single submitter. Criteria: Invitae Variant Classification Sherloc (09022015). Collection method: clinical testing. Allele origin: germline.

Breakthrough Genomics
Classification: Benign. Review status: criteria provided, single submitter. Criteria: ACMG Guidelines, 2015. Collection method: not provided. Allele origin: germline. Inheritance: Unknown mechanism. Affected: yes.

PreventionGenetics, part of Exact Sciences
Classification: Likely benign for ESPL1-related condition. Last evaluated: 2019-10-15. Review status: no assertion criteria provided. Collection method: clinical testing. Allele origin: germline. Not counted in ClinVar's aggregate classification.
Comment: This variant is classified as likely benign based on ACMG/AMP sequence variant interpretation guidelines (Richards et al. 2015 PMID: 25741868, with internal and published modifications).

NM_012291.5(ESPL1):c.4010G>T (p.Gly1337Val)

Gene: ESPL1 (extra spindle pole bodies like 1, separase; plus strand). Cytogenetic location: 12q13.13.
Variant type: single nucleotide variant.
Coding change: c.4010G>T on transcript NM_012291.5 (MANE Select); coding-DNA position 4010, G replaced by T.
Protein change: p.Gly1337Val; replaces glycine 1337 with valine.
Molecular consequence: missense variant.
Genome position (GRCh38, 1-based): chr12:53,286,746, G>T. VCF-style: chr12-53286746-G-T. GRCh37 (hg19) VCF-style: chr12-53680530-G-T.
Other names: short protein forms G1337V.
Identifiers: ClinVar variation 713762 (VCV000713762.6), dbSNP rs140972771, ClinGen allele CA6597582.